The following is an entry in ClinVar:

ClinVar aggregate classification (germline): Uncertain significance (1 of 4 stars; one submission).

Submission:

Ambry Genetics
Classification: Uncertain significance. Last evaluated: 2024-05-23. Review status: criteria provided, single submitter. Criteria: Ambry Variant Classification Scheme 2023. Collection method: clinical testing. Allele origin: germline.
Comment: The p.A1067S variant (also known as c.3199G>T), located in coding exon 27 of the PRKDC gene, results from a G to T substitution at nucleotide position 3199. The alanine at codon 1067 is replaced by serine, an amino acid with similar properties. This amino acid position is conserved. In addition, the in silico prediction for this alteration is inconclusive. Based on the available evidence, the clinical significance of this variant remains unclear.

NM_006904.7(PRKDC):c.3199G>T (p.Ala1067Ser)

Gene: PRKDC (protein kinase, DNA-activated, catalytic subunit; minus strand). Cytogenetic location: 8q11.21.
Variant type: single nucleotide variant.
Coding change: c.3199G>T on transcript NM_006904.7 (MANE Select); coding-DNA position 3199, G replaced by T.
Protein change: p.Ala1067Ser; replaces alanine 1067 with serine.
Molecular consequence: missense variant.
Genome position (GRCh38, 1-based): chr8:47,902,639, C>A on the plus strand (G>T on the coding strand, the complement: PRKDC is on the minus strand). VCF-style: chr8-47902639-C-A. GRCh37 (hg19) VCF-style: chr8-48815199-C-A.
Other names: c.3199G>T, p.Ala1067Ser (NM_001081640.2); short protein forms A1067S.
Identifiers: ClinVar variation 3310053 (VCV003310053.1).